The following is an entry in ClinVar:

ClinVar aggregate classification (germline): Uncertain significance (1 of 4 stars; one submission).

Allele frequency attached by ClinVar (database versions not stated): TOPMed 0.00001.

Submission:

Labcorp Genetics (formerly Invitae), Labcorp
Classification: Uncertain significance. Last evaluated: 2022-07-14. Review status: criteria provided, single submitter. Criteria: Invitae Variant Classification Sherloc (09022015). Collection method: clinical testing. Allele origin: germline.
Comment: This variant is not present in population databases (gnomAD no frequency). This sequence change replaces isoleucine, which is neutral and non-polar, with valine, which is neutral and non-polar, at codon 114 of the FZD4 protein (p.Ile114Val). This variant has not been reported in the literature in individuals affected with FZD4-related conditions. In summary, the available evidence is currently insufficient to determine the role of this variant in disease. Therefore, it has been classified as a Variant of Uncertain Significance. This variant disrupts the p.Ile114 amino acid residue in FZD4. Other variant(s) that disrupt this residue have been determined to be pathogenic (PMID: 19172507; Invitae). This suggests that this residue is clinically significant, and that variants that disrupt this residue are likely to be disease-causing. Algorithms developed to predict the effect of missense changes on protein structure and function (SIFT, PolyPhen-2, Align-GVGD) all suggest that this variant is likely to be disruptive.

Literature cited by the submitters: PubMed 19172507.

NM_012193.4(FZD4):c.340A>G (p.Ile114Val)

Genes: FZD4 (frizzled class receptor 4; minus strand), PRSS23 (serine protease 23; plus strand). Cytogenetic location: 11q14.2.
Variant type: single nucleotide variant.
Coding change: c.340A>G on transcript NM_012193.4 (MANE Select); coding-DNA position 340, A replaced by G.
Protein change: p.Ile114Val; replaces isoleucine 114 with valine.
Molecular consequence: missense variant. On other transcripts: non-coding transcript variant (2).
Genome position (GRCh38, 1-based): chr11:86,952,416, T>C on the plus strand (A>G on the coding strand, the complement: FZD4 is on the minus strand). VCF-style: chr11-86952416-T-C. GRCh37 (hg19) VCF-style: chr11-86663458-T-C.
Other names: short protein forms I114V.
Identifiers: ClinVar variation 2016891 (VCV002016891.4), dbSNP rs1949302296, ClinGen allele CA382017169.